The following is an entry in ClinVar:

ClinVar aggregate classification (germline): Uncertain significance (1 of 4 stars; one submission).

Conditions:
DOCK2 deficiency. Also called: Immunodeficiency 40. Identifiers: Orphanet 447737, MedGen C4225328, MONDO:0014637, OMIM 616433.

Allele frequency attached by ClinVar (database versions not stated): gnomAD 0.00002 and 0.00003; gnomAD exomes 0.00003 and 0.00006; TOPMed 0.00003; ExAC 0.00010; ESP Exome Variant Server 0.00015.
gnomAD v4.1: 47 of 1,613,888 alleles (0.0029%); highest among the groups gnomAD compares: East Asian, 0.033%; no homozygotes.

Submission:

Labcorp Genetics (formerly Invitae), Labcorp
Classification: Uncertain significance for DOCK2 deficiency. Last evaluated: 2025-09-29. Review status: criteria provided, single submitter. Criteria: Invitae Variant Classification Sherloc (09022015). Collection method: clinical testing. Allele origin: germline.
Comment: This sequence change replaces arginine, which is basic and polar, with glutamine, which is neutral and polar, at codon 1104 of the DOCK2 protein (p.Arg1104Gln). This variant is present in population databases (rs149008494, gnomAD 0.06%). This variant has not been reported in the literature in individuals affected with DOCK2-related conditions. ClinVar contains an entry for this variant (Variation ID: 950058). An algorithm developed to predict the effect of missense changes on protein structure and function (PolyPhen-2) suggests that this variant is likely to be disruptive. In summary, the available evidence is currently insufficient to determine the role of this variant in disease. Therefore, it has been classified as a Variant of Uncertain Significance.

NM_004946.3(DOCK2):c.3311G>A (p.Arg1104Gln)

Gene: DOCK2 (dedicator of cytokinesis 2; plus strand). Cytogenetic location: 5q35.1.
Variant type: single nucleotide variant.
Coding change: c.3311G>A on transcript NM_004946.3 (MANE Select); coding-DNA position 3311, G replaced by A.
Protein change: p.Arg1104Gln; replaces arginine 1104 with glutamine.
Molecular consequence: missense variant. On other transcripts: non-coding transcript variant (1).
Genome position (GRCh38, 1-based): chr5:170,019,038, G>A. VCF-style: chr5-170019038-G-A. GRCh37 (hg19) VCF-style: chr5-169446042-G-A.
Other names: short protein forms R1104Q.
Identifiers: ClinVar variation 950058 (VCV000950058.8), dbSNP rs149008494, ClinGen allele CA3554173.